The following is an entry in ClinVar:

ClinVar aggregate classification (germline): Uncertain significance. Review status: criteria provided, multiple submitters, no conflicts (2 of 4 stars). 3 submissions from 3 submitters: Uncertain significance (3). Last evaluated 2022-12-19.

Conditions:
Inborn genetic diseases. Identifiers: MedGen C0950123, MeSH D030342.

Allele frequency attached by ClinVar (database versions not stated): ExAC 0.00002.
gnomAD v4.1: 15 of 1,614,138 alleles (0.00093%); highest among the groups gnomAD compares: Middle Eastern, 0.016%; no homozygotes.

Submissions (3):

Ambry Genetics
Classification: Uncertain significance for Inborn genetic diseases. Last evaluated: 2022-12-19. Review status: criteria provided, single submitter. Criteria: Ambry Variant Classification Scheme 2023. Collection method: clinical testing. Allele origin: germline.

Blueprint Genetics
Classification: Uncertain significance. Last evaluated: 2022-04-27. Review status: criteria provided, single submitter. Criteria: ACMG Guidelines, 2015. Collection method: clinical testing. Allele origin: germline.

Labcorp Genetics (formerly Invitae), Labcorp
Classification: Uncertain significance. Last evaluated: 2022-04-11. Review status: criteria provided, single submitter. Criteria: Invitae Variant Classification Sherloc (09022015). Collection method: clinical testing. Allele origin: germline.
Comment: This sequence change replaces cysteine, which is neutral and slightly polar, with tryptophan, which is neutral and slightly polar, at codon 150 of the TUBGCP6 protein (p.Cys150Trp). This variant is present in population databases (rs778256941, gnomAD 0.004%). This variant has not been reported in the literature in individuals affected with TUBGCP6-related conditions. Algorithms developed to predict the effect of missense changes on protein structure and function are either unavailable or do not agree on the potential impact of this missense change (SIFT: "Tolerated"; PolyPhen-2: "Probably Damaging"; Align-GVGD: "Class C0"). In summary, the available evidence is currently insufficient to determine the role of this variant in disease. Therefore, it has been classified as a Variant of Uncertain Significance.

NM_020461.4(TUBGCP6):c.450C>G (p.Cys150Trp)

Gene: TUBGCP6 (tubulin gamma complex component 6; minus strand). Cytogenetic location: 22q13.33.
Variant type: single nucleotide variant.
Coding change: c.450C>G on transcript NM_020461.4 (MANE Select); coding-DNA position 450, C replaced by G.
Protein change: p.Cys150Trp; replaces cysteine 150 with tryptophan.
Molecular consequence: missense variant.
Genome position (GRCh38, 1-based): chr22:50,244,010, G>C on the plus strand (C>G on the coding strand, the complement: TUBGCP6 is on the minus strand). VCF-style: chr22-50244010-G-C. GRCh37 (hg19) VCF-style: chr22-50682439-G-C.
Other names: c.450C>G (NM_020461.3); short protein forms C150W.
Identifiers: ClinVar variation 2210096 (VCV002210096.6), dbSNP rs778256941, ClinGen allele CA10309054.